The following is an entry in ClinVar:

ClinVar aggregate classification (germline): Likely benign. Review status: criteria provided, multiple submitters, no conflicts (2 of 4 stars). 3 submissions from 3 submitters: Likely benign (3). Last evaluated 2025-10-21.

Conditions:
CEP83-related disorder. Also called: CEP83-related condition.
Nephronophthisis 18 (NPHP18). Identifiers: Orphanet 655, MedGen C3890591, MONDO:0014374, OMIM 615862.

Allele frequency attached by ClinVar (database versions not stated): gnomAD 0.00011; gnomAD exomes 0.00020 and 0.00038; ExAC 0.00055; 1000 Genomes Project 30x 0.00187; 1000 Genomes Project 0.00240; TOPMed 0.00001.
gnomAD v4.1: 310 of 1,611,488 alleles (0.019%); highest among the groups gnomAD compares: South Asian, 0.33%; 4 homozygotes.

Submissions (4):

Labcorp Genetics (formerly Invitae), Labcorp
Classification: Likely benign for Nephronophthisis 18. Last evaluated: 2025-10-21. Review status: criteria provided, single submitter. Criteria: Invitae Variant Classification Sherloc (09022015). Collection method: clinical testing. Allele origin: germline.

PreventionGenetics, part of Exact Sciences
Classification: Likely benign for CEP83-related condition. Last evaluated: 2025-06-07. Review status: criteria provided, single submitter. Criteria: ACMG Guidelines, 2015. Collection method: clinical testing. Allele origin: germline.
Comment: This variant is classified as likely benign based on ACMG/AMP sequence variant interpretation guidelines (Richards et al. 2015 PMID: 25741868, with internal and published modifications).

Blueprint Genetics
Classification: Likely benign. Last evaluated: 2024-09-06. Review status: criteria provided, single submitter. Criteria: ACMG Guidelines, 2015. Collection method: clinical testing. Allele origin: germline.

Dr. Peter K. Rogan Lab, Western University
No classification provided (evidence only). Condition: Ovarian serous cystadenocarcinoma. Review status: no classification provided. Collection method: in vitro. Allele origin: not applicable. Functional consequence: retained intron. Not counted in ClinVar's aggregate classification.

NM_016122.3(CEP83):c.1427G>T (p.Ser476Ile)

Gene: CEP83 (centrosomal protein 83; minus strand). Cytogenetic location: 12q22.
Variant type: single nucleotide variant.
Coding change: c.1427G>T on transcript NM_016122.3 (MANE Select); coding-DNA position 1427, G replaced by T.
Protein change: p.Ser476Ile; replaces serine 476 with isoleucine.
Molecular consequence: missense variant. On other transcripts: non-coding transcript variant (1).
Genome position (GRCh38, 1-based): chr12:94,333,632, C>A on the plus strand (G>T on the coding strand, the complement: CEP83 is on the minus strand). VCF-style: chr12-94333632-C-A. GRCh37 (hg19) VCF-style: chr12-94727408-C-A.
Other names: c.1427G>T (NM_016122.2); c.1427G>T, p.Ser476Ile (NM_001042399.2, NM_001346457.2, NM_001368037.1 and 1 more transcripts); c.1115G>T, p.Ser372Ile (NM_001346458.2, NM_001346459.2, NM_001368039.1 and 1 more transcripts); c.1202G>T, p.Ser401Ile (NM_001368041.1); short protein forms S372I, S401I, S476I.
Identifiers: ClinVar variation 1116780 (VCV001116780.12), dbSNP rs568769580, ClinGen allele CA6721634.